The following continues an entry in ClinVar:

NM_007294.4(BRCA1):c.3448C>T (p.Pro1150Ser)

ClinVar aggregate classification (germline): Benign. Benign (1).

Submissions 12 to 18 of 18:

3DMed Clinical Laboratory Inc
Classification: Uncertain significance for Neoplasm of the breast. Last evaluated: 2017-06-10. Review status: criteria provided, single submitter. Criteria: ACMG Guidelines, 2015. Collection method: clinical testing. Allele origin: germline. Affected: yes. Not counted in ClinVar's aggregate classification.

Color Diagnostics, LLC DBA Color Health
Classification: Likely benign for Hereditary cancer-predisposing syndrome. Last evaluated: 2015-12-30. Review status: criteria provided, single submitter. Criteria: ACMG Guidelines, 2015. Collection method: clinical testing. Allele origin: germline. Not counted in ClinVar's aggregate classification.

Laboratory of Molecular Diagnosis of Cancer, West China Hospital, Sichuan University
Classification: Uncertain significance for Breast neoplasm. Last evaluated: 2015-11-01. Review status: criteria provided, single submitter. Criteria: ACMG Guidelines, 2015. Collection method: research. Allele origin: germline. Affected: yes. Observed: 1 variant allele. Not counted in ClinVar's aggregate classification.

Research Molecular Genetics Laboratory, Women's College Hospital, University of Toronto
Classification: Uncertain significance. Last evaluated: 2014-01-31. Review status: no assertion criteria provided. Collection method: research. Allele origin: germline. Affected: yes. Study: The Canadian Open Genetics Repository (COGR). Not counted in ClinVar's aggregate classification.

Breast Cancer Information Core (BIC) (BRCA1)
Classification: Uncertain significance for Breast-ovarian cancer, familial 1. Last evaluated: 2002-05-29. Review status: no assertion criteria provided. Collection method: clinical testing. Allele origin: germline. Affected: yes. Observed: 5 variant alleles. Not counted in ClinVar's aggregate classification.

Center for Precision Medicine, Meizhou People's Hospital
Classification: Uncertain significance for Familial cancer of breast. Review status: no assertion criteria provided. Collection method: literature only. Allele origin: germline. Affected: yes. Not counted in ClinVar's aggregate classification.

Department of Pathology and Laboratory Medicine, Sinai Health System
Classification: Uncertain significance for Breast-ovarian cancer, familial, susceptibility to, 1. Review status: no assertion criteria provided. Collection method: clinical testing. Allele origin: unknown. Affected: yes. Study: The Canadian Open Genetics Repository (COGR). Not counted in ClinVar's aggregate classification.
Comment: The BRCA1 p.Pro1150Ser variant was identified in 13 of 4830 proband chromosomes (frequency: 0.003) from Chinese and Korean individuals or families with breast cancer, and in 3 of 1892 control chromosomes (frequency: 0.002) from healthy individuals (Tang 1999, Li 2017 , Jang 2012, Suter 2004, Yang 2017, Yoon 2016). The variant was also identified in dbSNP (ID: rs80357272) as â€šÃ„ÃºWith other alleleâ€šÃ„Ã¹, in ClinVar (classified with conflicting interpretations of pathogenicity; submitters: uncertain significance by Ambry Genetics, CHEO Genetics Diagnostic Laboratory, Laboratory of Molecular Diagnosis of Cancer, GeneDx, and BIC, and likely benign by Invitae and Laboratory Corporation of America), Clinvitae (5x), LOVD 3.0 (1x), BIC Database (5x), with unknown clinical importance, classification pending), and Zhejiang University Database (1x). The variant was not identified in Cosmic, MutDB, and ARUP Laboratories. The variant was identified in control databases in 18 of 276992 chromosomes at a frequency of 0.00007 (Genome Aggregation Database Feb 27, 2017). It was observed in the East Asian population in 18 of 18866 chromosomes (freq: 0.001); it was not observed in the African, Other, Latino, European Non-Finnish, Ashkenazi Jewish, Finnish, and South Asian populations. The p.Pro1150 residue is conserved in mammals and computational analyses (PolyPhen-2, SIFT, AlignGVGD, BLOSUM, MutationTaster) provide inconsistent predictions regarding the impact to the protein; this information is not very predictive of pathogenicity. The variant occurs outside of the splicing consensus sequence and in silico or computational prediction software programs (SpliceSiteFinder, MaxEntScan, NNSPLICE, GeneSplicer, HumanSpliceFinder) do not predict a difference in splicing. In summary, based on the above information the clinical significance of this variant cannot be determined with certainty at this time. This variant is classified as a variant of uncertain significance.

Literature cited by the submitters: PubMed 30287823 (cited by Quest Diagnostics Nichols Institute San Juan Capistrano); PubMed 10340909 (cited by Quest Diagnostics Nichols Institute San Juan Capistrano and Women's Health and Genetics/Laboratory Corporation of America, LabCorp); PubMed 15353005 (cited by Quest Diagnostics Nichols Institute San Juan Capistrano and Women's Health and Genetics/Laboratory Corporation of America, LabCorp); PubMed 22217648 (cited by Quest Diagnostics Nichols Institute San Juan Capistrano and Women's Health and Genetics/Laboratory Corporation of America, LabCorp); PubMed 27658390 (cited by Quest Diagnostics Nichols Institute San Juan Capistrano and Ambry Genetics); PubMed 27257965 (cited by 4 submitters); PubMed 28664449 (cited by Quest Diagnostics Nichols Institute San Juan Capistrano); PubMed 28364669 (cited by Quest Diagnostics Nichols Institute San Juan Capistrano and Ambry Genetics); PubMed 30702160 (cited by Quest Diagnostics Nichols Institute San Juan Capistrano); PubMed 17453335 (cited by Quest Diagnostics Nichols Institute San Juan Capistrano and Women's Health and Genetics/Laboratory Corporation of America, LabCorp); PubMed 19491284 (cited by Quest Diagnostics Nichols Institute San Juan Capistrano and Women's Health and Genetics/Laboratory Corporation of America, LabCorp); PubMed 30725392 (cited by Quest Diagnostics Nichols Institute San Juan Capistrano); PubMed 28111427 (cited by Quest Diagnostics Nichols Institute San Juan Capistrano); PubMed 30415210 (cited by Quest Diagnostics Nichols Institute San Juan Capistrano); PubMed 9510469 (cited by Quest Diagnostics Nichols Institute San Juan Capistrano); PubMed 15235020 (cited by Quest Diagnostics Nichols Institute San Juan Capistrano and Women's Health and Genetics/Laboratory Corporation of America, LabCorp); PubMed 29020732 (cited by Quest Diagnostics Nichols Institute San Juan Capistrano and Ambry Genetics); PubMed 29752822 (cited by Quest Diagnostics Nichols Institute San Juan Capistrano); PubMed 26689913 (cited by 3 submitters); PubMed 28664506 (cited by Quest Diagnostics Nichols Institute San Juan Capistrano and Ambry Genetics); PubMed 8723683 (cited by Quest Diagnostics Nichols Institute San Juan Capistrano and Women's Health and Genetics/Laboratory Corporation of America, LabCorp); PubMed 33471991 (cited by Quest Diagnostics Nichols Institute San Juan Capistrano); PubMed 31131967 (cited by Quest Diagnostics Nichols Institute San Juan Capistrano); PubMed 31825140 (cited by Quest Diagnostics Nichols Institute San Juan Capistrano); PubMed 31907386 (cited by Quest Diagnostics Nichols Institute San Juan Capistrano); PubMed 32211327 (cited by Quest Diagnostics Nichols Institute San Juan Capistrano); PubMed 32879886 (cited by Quest Diagnostics Nichols Institute San Juan Capistrano); PubMed 32467295 (cited by Quest Diagnostics Nichols Institute San Juan Capistrano); PubMed 34981296 (cited by Quest Diagnostics Nichols Institute San Juan Capistrano); PubMed 35918668 (cited by Quest Diagnostics Nichols Institute San Juan Capistrano); PubMed 33087888 (cited by Quest Diagnostics Nichols Institute San Juan Capistrano); PubMed 16267036 (cited by Women's Health and Genetics/Laboratory Corporation of America, LabCorp); PubMed 16518693 (cited by Women's Health and Genetics/Laboratory Corporation of America, LabCorp and Ambry Genetics); PubMed 15385441 (cited by Women's Health and Genetics/Laboratory Corporation of America, LabCorp); PubMed 14973102 (cited by Women's Health and Genetics/Laboratory Corporation of America, LabCorp and Ambry Genetics); PubMed 23555315 (cited by Women's Health and Genetics/Laboratory Corporation of America, LabCorp); PubMed 11149425 (cited by Women's Health and Genetics/Laboratory Corporation of America, LabCorp); PubMed 29681614 (cited by Women's Health and Genetics/Laboratory Corporation of America, LabCorp and Ambry Genetics); PubMed 26332594 (cited by Ambry Genetics).